The following is an entry in ClinVar:

Conditions:
Breast-ovarian cancer, familial, susceptibility to, 1 (BROVCA1). Also called: BRCA1 Hereditary Breast and Ovarian Cancer; OVARIAN CANCER, SUSCEPTIBILITY TO. Identifiers: Orphanet 145, MedGen C2676676, MONDO:0011450, OMIM 604370. Disease mechanism: loss of function.

Submission:

Brotman Baty Institute, University of Washington
No classification provided (evidence only). Condition: Breast-ovarian cancer, familial 1. Review status: no classification provided. Collection method: in vitro. Allele origin: not applicable. Functional consequence: function_uncertain_variant.
ClinVar note: "not provided" was previously submitted as the classification for the variant. However, the classification appeared to be based only on an observation of functional data so it was converted to no classification on 2025-07-30.

NM_007294.4(BRCA1):c.5301T>G (p.Cys1767Trp)

Gene: BRCA1 (BRCA1 DNA repair associated; minus strand). Cytogenetic location: 17q21.31.
Variant type: single nucleotide variant.
Coding change: c.5301T>G on transcript NM_007294.4 (MANE Select); coding-DNA position 5301, T replaced by G.
Protein change: p.Cys1767Trp; replaces cysteine 1767 with tryptophan.
Molecular consequence: missense variant. On other transcripts: non-coding transcript variant (1).
Genome position (GRCh38, 1-based): chr17:43,051,094, A>C on the plus strand (T>G on the coding strand, the complement: BRCA1 is on the minus strand). VCF-style: chr17-43051094-A-C. GRCh37 (hg19) VCF-style: chr17-41203111-A-C.
Other names: c.5088T>G, p.Cys1696Trp (NM_001407571.1, NM_001407898.1, NM_001407899.1 and 12 more transcripts); c.5367T>G, p.Cys1789Trp (NM_001407581.1, NM_001407582.1); c.5364T>G, p.Cys1788Trp (NM_001407583.1, NM_001407585.1, NM_001407587.1 and 1 more transcripts); c.5361T>G, p.Cys1787Trp (NM_001407590.1, NM_001407591.1); c.5301T>G, p.Cys1767Trp (NM_001407593.1, NM_001407594.1, NM_001407596.1 and 6 more transcripts); c.5298T>G, p.Cys1766Trp (NM_001407610.1, NM_001407611.1, NM_001407612.1 and 17 more transcripts); c.5295T>G, p.Cys1765Trp (NM_001407627.1, NM_001407628.1, NM_001407629.1 and 14 more transcripts); c.5289T>G, p.Cys1763Trp (NM_001407646.1); and 72 more; short protein forms C1767W, C1788W, C1720W, C663W, C1638W, C1655W, C1679W, C1698W.
Identifiers: ClinVar variation 868294 (VCV000868294.3), dbSNP rs886040288, ClinGen allele CA10590946.